The following is an entry in ClinVar:

ClinVar aggregate classification (germline): Uncertain significance (1 of 4 stars; one submission).

Submission:

Ambry Genetics
Classification: Uncertain significance. Last evaluated: 2025-12-13. Review status: criteria provided, single submitter. Criteria: Ambry Variant Classification Scheme 2023. Collection method: clinical testing. Allele origin: germline.
Comment: The p.P558L variant (also known as c.1673C>T), located in coding exon 2 of the CDK12 gene, results from a C to T substitution at nucleotide position 1673. The proline at codon 558 is replaced by leucine, an amino acid with similar properties. This amino acid position is conserved. In addition, the in silico prediction for this alteration is inconclusive. Based on the available evidence, the clinical significance of this variant remains unclear.

NM_016507.4(CDK12):c.1673C>T (p.Pro558Leu)

Gene: CDK12 (cyclin dependent kinase 12; plus strand). Cytogenetic location: 17q12.
Variant type: single nucleotide variant.
Coding change: c.1673C>T on transcript NM_016507.4 (MANE Select); coding-DNA position 1673, C replaced by T.
Protein change: p.Pro558Leu; replaces proline 558 with leucine.
Molecular consequence: missense variant.
Genome position (GRCh38, 1-based): chr17:39,471,505, C>T. VCF-style: chr17-39471505-C-T. GRCh37 (hg19) VCF-style: chr17-37627758-C-T.
Other names: c.1673C>T, p.Pro558Leu (NM_015083.4); short protein forms P558L.
Identifiers: ClinVar variation 4651499 (VCV004651499.1).